The following is an entry in ClinVar:

NM_000179.3(MSH6):c.2980T>G (p.Tyr994Asp)

Gene: MSH6 (mutS homolog 6; plus strand). Cytogenetic location: 2p16.3.
Variant type: single nucleotide variant.
Coding change: c.2980T>G on transcript NM_000179.3 (MANE Select); coding-DNA position 2980, T replaced by G.
Protein change: p.Tyr994Asp; replaces tyrosine 994 with aspartic acid.
Molecular consequence: missense variant.
Genome position (GRCh38, 1-based): chr2:47,800,963, T>G. VCF-style: chr2-47800963-T-G. GRCh37 (hg19) VCF-style: chr2-48028102-T-G.
Other names: c.2590T>G, p.Tyr864Asp (NM_001281492.2); c.2074T>G, p.Tyr692Asp (NM_001281493.2, NM_001281494.2); short protein forms Y994D, Y692D, Y864D.
Identifiers: ClinVar variation 978534 (VCV000978534.11), dbSNP rs373622047, ClinGen allele CA346756357.

ClinVar aggregate classification (germline): Uncertain significance. Review status: criteria provided, multiple submitters, no conflicts (2 of 4 stars). 4 submissions from 4 submitters: Uncertain significance (4). Last evaluated 2025-06-25.

Conditions:
Inherited polyposis and early onset colorectal cancer - germline testing.
Hereditary nonpolyposis colorectal neoplasms. Identifiers: MedGen C0009405, MeSH D003123.
Hereditary cancer-predisposing syndrome. Also called: Neoplastic Syndromes, Hereditary; Hereditary Cancer Syndrome; Tumor predisposition; Hereditary neoplastic syndrome. Identifiers: Orphanet 140162, MedGen C0027672, MeSH D009386, MONDO:0015356.

Submissions (4):

Color Diagnostics, LLC DBA Color Health
Classification: Uncertain significance for Hereditary cancer-predisposing syndrome. Last evaluated: 2025-06-25. Review status: criteria provided, single submitter. Criteria: ACMG Guidelines, 2015. Collection method: clinical testing. Allele origin: germline.
Comment: This missense variant replaces tyrosine with aspartic acid at codon 994 of the MSH6 protein. Computational prediction suggests that this variant may have deleterious impact on protein structure and function. To our knowledge, functional studies have not been reported for this variant. This variant has not been reported in individuals affected with MSH6-related disorders in the literature. This variant has not been identified in the general population by the Genome Aggregation Database (gnomAD). The available evidence is insufficient to determine the role of this variant in disease conclusively. Therefore, this variant is classified as a Variant of Uncertain Significance.

Ambry Genetics
Classification: Uncertain significance for Hereditary cancer-predisposing syndrome. Last evaluated: 2025-05-22. Review status: criteria provided, single submitter. Criteria: Ambry Variant Classification Scheme 2023. Collection method: clinical testing. Allele origin: germline.
Comment: The p.Y994D variant (also known as c.2980T>G), located in coding exon 4 of the MSH6 gene, results from a T to G substitution at nucleotide position 2980. The tyrosine at codon 994 is replaced by aspartic acid, an amino acid with highly dissimilar properties. This amino acid position is highly conserved in available vertebrate species. In addition, this alteration is predicted to be deleterious by in silico analysis. Based on the available evidence, the clinical significance of this variant remains unclear.

Cambridge Genomics Laboratory, East Genomic Laboratory Hub, NHS Genomic Medicine Service
Classification: Uncertain significance for Inherited polyposis and early onset colorectal cancer - germline testing. Last evaluated: 2025-03-11. Review status: criteria provided, single submitter. Criteria: ACGS Best Practice Guidelines for Variant Classification in Rare Disease 2020. Collection method: clinical testing. Allele origin: germline. Affected: yes.
Comment: PM2,PP3,PP4_Moderate

Labcorp Genetics (formerly Invitae), Labcorp
Classification: Uncertain significance for Hereditary nonpolyposis colorectal neoplasms. Last evaluated: 2018-06-13. Review status: criteria provided, single submitter. Criteria: Invitae Variant Classification Sherloc (09022015). Collection method: clinical testing. Allele origin: germline.
Comment: In summary, the available evidence is currently insufficient to determine the role of this variant in disease. Therefore, it has been classified as a Variant of Uncertain Significance. Algorithms developed to predict the effect of missense changes on protein structure and function (SIFT, PolyPhen-2, Align-GVGD) all suggest that this variant is likely to be disruptive, but these predictions have not been confirmed by published functional studies and their clinical significance is uncertain. This variant has not been reported in the literature in individuals with MSH6-related disease. This variant is not present in population databases (ExAC no frequency). This sequence change replaces tyrosine with aspartic acid at codon 994 of the MSH6 protein (p.Tyr994Asp). The tyrosine residue is highly conserved and there is a large physicochemical difference between tyrosine and aspartic acid.